The following is an entry in ClinVar:

ClinVar aggregate classification (germline): Uncertain significance. Review status: criteria provided, multiple submitters, no conflicts (2 of 4 stars). 3 submissions from 3 submitters: Uncertain significance (3). Last evaluated 2025-04-08.

Conditions:
MYPN-related myopathy (CMYO24). Also called: Nemaline myopathy 11, autosomal recessive. Identifiers: MedGen C4479186, MONDO:0015023, OMIM 617336.
Dilated cardiomyopathy 1KK (CMD1KK). Identifiers: Orphanet 154, Orphanet 75249, MedGen C3714995, MONDO:0014100, OMIM 615248.
Cardiovascular phenotype. Identifiers: MedGen CN230736.

Allele frequency attached by ClinVar (database versions not stated): gnomAD 0.00001; gnomAD exomes 0.00001; TOPMed 0.00001.
gnomAD v4.1: 21 of 1,613,352 alleles (0.0013%); highest among the groups gnomAD compares: Non-Finnish European, 0.0017%; no homozygotes.

Submissions (3):

Ambry Genetics
Classification: Uncertain significance for Cardiovascular phenotype. Last evaluated: 2025-04-08. Review status: criteria provided, single submitter. Criteria: Ambry Variant Classification Scheme 2023. Collection method: clinical testing. Allele origin: germline.

Fulgent Genetics
Classification: Uncertain significance for Dilated cardiomyopathy 1KK; MYPN-related myopathy. Last evaluated: 2024-06-11. Review status: criteria provided, single submitter. Criteria: ACMG Guidelines, 2015. Collection method: clinical testing. Allele origin: germline.

Labcorp Genetics (formerly Invitae), Labcorp
Classification: Uncertain significance for Dilated cardiomyopathy 1KK. Last evaluated: 2022-07-11. Review status: criteria provided, single submitter. Criteria: Invitae Variant Classification Sherloc (09022015). Collection method: clinical testing. Allele origin: germline.
Comment: This sequence change replaces isoleucine, which is neutral and non-polar, with threonine, which is neutral and polar, at codon 12 of the MYPN protein (p.Ile12Thr). This variant is present in population databases (no rsID available, gnomAD 0.002%). This variant has not been reported in the literature in individuals affected with MYPN-related conditions. ClinVar contains an entry for this variant (Variation ID: 222747). Algorithms developed to predict the effect of missense changes on protein structure and function (SIFT, PolyPhen-2, Align-GVGD) all suggest that this variant is likely to be disruptive. In summary, the available evidence is currently insufficient to determine the role of this variant in disease. Therefore, it has been classified as a Variant of Uncertain Significance.

NM_032578.4(MYPN):c.35T>C (p.Ile12Thr)

Gene: MYPN (myopalladin; plus strand). Cytogenetic location: 10q21.3.
Variant type: single nucleotide variant.
Coding change: c.35T>C on transcript NM_032578.4 (MANE Select); coding-DNA position 35, T replaced by C.
Protein change: p.Ile12Thr; replaces isoleucine 12 with threonine.
Molecular consequence: missense variant. On other transcripts: 5 prime UTR variant (1), non-coding transcript variant (1).
Genome position (GRCh38, 1-based): chr10:68,121,473, T>C. VCF-style: chr10-68121473-T-C. GRCh37 (hg19) VCF-style: chr10-69881230-T-C.
Other names: c.35T>C (NM_032578.2); c.35T>C, p.Ile12Thr (NM_001256267.2); c.-1088T>C (NM_001256268.2); short protein forms I12T.
Identifiers: ClinVar variation 222747 (VCV000222747.7), dbSNP rs869025490, ClinGen allele CA351882.